The following is an entry in ClinVar:

NM_001378454.1(ALMS1):c.8856_8860del (p.Gln2953fs)

Gene: ALMS1 (ALMS1 centrosome and basal body associated protein; plus strand). Cytogenetic location: 2p13.1.
Variant type: Deletion.
Coding change: c.8856_8860del on transcript NM_001378454.1 (MANE Select); coding-DNA positions 8856 to 8860, 5 bases deleted (TCAGG; older notation c.8856_8860delTCAGG).
Protein change: p.Gln2953fs; shifts the reading frame from glutamine 2953.
Molecular consequence: frameshift variant.
Genome position (GRCh38, 1-based): chr2:73,490,815-73,490,819, TCAGG deleted; deleting any 5 consecutive bases within chr2:73,490,812-73,490,819 gives the same sequence; the c. name uses the placement nearest the transcript's 3' end. VCF-style (leftmost placement, unchanged base first): chr2-73490811-AAGGTC-A. GRCh37 (hg19) VCF-style: chr2-73717938-AAGGTC-A.
Other names: c.8859_8863del, p.Gln2954fs (NM_015120.4); short protein forms Q2953fs, Q2954fs.
Identifiers: ClinVar variation 1429869 (VCV001429869.6), dbSNP rs2103893595, ClinGen allele CA2573135779.
Genomic context (GRCh38, chr2:73,490,811, plus strand): 5'-AACAGTGCAAAGCCCCATATGTAGATCATCAAATGAGAGAAAACCATTCTCCCCTTCCTC[AAGGTC>A]AGGATTCTATAGCTTCAGACCTTCCGTCTCCCATTTCTCTTGAACAATGCCAAAGCAAAG-3'

ClinVar aggregate classification (germline): Pathogenic (1 of 4 stars; one submission).

Conditions:
Alstrom syndrome (ALMS). Identifiers: Orphanet 64, MedGen C0268425, MONDO:0008763, OMIM 203800.

Submission:

Labcorp Genetics (formerly Invitae), Labcorp
Classification: Pathogenic for Alstrom syndrome. Last evaluated: 2021-01-28. Review status: criteria provided, single submitter. Criteria: Invitae Variant Classification Sherloc (09022015). Collection method: clinical testing. Allele origin: germline.
Comment: For these reasons, this variant has been classified as Pathogenic. This variant has not been reported in the literature in individuals with ALMS1-related conditions. This variant is not present in population databases (ExAC no frequency). This sequence change creates a premature translational stop signal (p.Gln2954Phefs*13) in the ALMS1 gene. It is expected to result in an absent or disrupted protein product. Loss-of-function variants in ALMS1 are known to be pathogenic (PMID: 17594715).

Literature cited by the submitters: PubMed 17594715.